The following is an entry in ClinVar:

NM_000059.4(BRCA2):c.3183_3184delinsTT (p.Lys1061_Pro1062delinsAsnSer)

Gene: BRCA2 (BRCA2 DNA repair associated; plus strand). Cytogenetic location: 13q13.1.
Variant type: Indel.
Coding change: c.3183_3184delinsTT on transcript NM_000059.4 (MANE Select); coding-DNA positions 3183 to 3184, GC replaced by TT.
Protein change: p.Lys1061_Pro1062delinsAsnSer.
Molecular consequence: missense variant. On other transcripts: non-coding transcript variant (1), intron variant (2).
Genome position (GRCh38, 1-based): chr13:32,337,538-32,337,539, GC replaced by TT. VCF-style: chr13-32337538-GC-TT. GRCh37 (hg19) VCF-style: chr13-32911675-GC-TT.
Other names: c.3183_3184delinsTT, p.Lys1061_Pro1062delinsAsnSer (NM_001406719.1, NM_001406720.1, NM_001432077.1); c.1909+4151_1909+4152delinsTT (NM_001406721.1); c.424+6508_424+6509delinsTT (NM_001406722.1).
Identifiers: ClinVar variation 4532823 (VCV004532823.3).

ClinVar aggregate classification (germline): Uncertain significance. Review status: criteria provided, multiple submitters, no conflicts (2 of 4 stars). 3 submissions from 3 submitters: Uncertain significance (3). Last evaluated 2026-03-17.

Conditions:
Hereditary cancer-predisposing syndrome. Also called: Neoplastic Syndromes, Hereditary; Tumor predisposition; Hereditary neoplastic syndrome; Hereditary Cancer Syndrome. Identifiers: Orphanet 140162, MedGen C0027672, MeSH D009386, MONDO:0015356.
Hereditary breast ovarian cancer syndrome. Also called: Hereditary breast and ovarian cancer syndrome; Hereditary breast and ovarian cancer; Hereditary breast and ovarian cancer syndrome (HBOC); Breast and ovarian cancer; Hereditary breast and/or ovarian cancer syndrome; BRCA1- and BRCA2-Associated Hereditary Breast and Ovarian Cancer. Identifiers: Orphanet 145, MedGen C0677776, MeSH D061325, MONDO:0003582. Disease mechanism: loss of function.

Submissions (3):

Ambry Genetics
Classification: Uncertain significance for Hereditary cancer-predisposing syndrome. Last evaluated: 2026-03-17. Review status: criteria provided, single submitter. Criteria: Ambry Variant Classification Scheme 2023. Collection method: clinical testing. Allele origin: germline.
Comment: The c.3183_3184delGCinsTT variant (also known as p.K1061_P1062delinsNS), located in coding exon 10 of the BRCA2 gene, results from an in-frame deletion of GC and insertion of TT at nucleotide positions 3183 to 3184. This results in the substitution of lysine and proline residues for asparagine and serine residues at codons 1061 and 1062. This amino acid region is not well conserved in available vertebrate species. In addition, this variant is predicted to be deleterious by in silico analysis (Choi Y et al. PLoS ONE. 2012; 7(10):e46688). Based on the available evidence, the clinical significance of this variant remains unclear.

Labcorp Genetics (formerly Invitae), Labcorp
Classification: Uncertain significance for Hereditary breast ovarian cancer syndrome. Last evaluated: 2025-11-24. Review status: criteria provided, single submitter. Criteria: Invitae Variant Classification Sherloc (09022015). Collection method: clinical testing. Allele origin: germline.
Comment: This variant, c.3183_3184delinsTT, is a complex sequence change that results in the deletion of 2 and insertion of 2 amino acid(s) in the BRCA2 protein (p.Lys1061_Pro1062delinsAsnSer). Information on the frequency of this variant in the gnomAD database is not available, as this variant may be reported differently in the database. This variant has not been reported in the literature in individuals affected with BRCA2-related conditions. Experimental studies and prediction algorithms are not available or were not evaluated, and the functional significance of this variant is currently unknown. In summary, the available evidence is currently insufficient to determine the role of this variant in disease. Therefore, it has been classified as a Variant of Uncertain Significance.

Quest Diagnostics Nichols Institute San Juan Capistrano
Classification: Uncertain significance. Last evaluated: 2025-10-08. Review status: criteria provided, single submitter. Criteria: Quest Diagnostics criteria. Collection method: clinical testing. Allele origin: unknown.
Comment: The BRCA2 c.3183_3184delinsTT (p.Lys1061_Pro1062delinsAsnSer) variant has not been reported in individuals with BRCA2-related conditions in the published literature. This variant also has not been reported in large, multi-ethnic general populations (Genome Aggregation Database). Based on the available information, we are unable to determine the clinical significance of this variant.